The following is an entry in ClinVar:

NM_182925.5(FLT4):c.474T>A (p.Cys158Ter)

Gene: FLT4 (fms related receptor tyrosine kinase 4; minus strand). Cytogenetic location: 5q35.3.
Variant type: single nucleotide variant.
Coding change: c.474T>A on transcript NM_182925.5 (MANE Select); coding-DNA position 474, T replaced by A.
Protein change: p.Cys158Ter; replaces cysteine 158 with a stop codon.
Molecular consequence: nonsense.
Genome position (GRCh38, 1-based): chr5:180,630,264, A>T on the plus strand (T>A on the coding strand, the complement: FLT4 is on the minus strand). VCF-style: chr5-180630264-A-T. GRCh37 (hg19) VCF-style: chr5-180057264-A-T.
Other names: c.474T>A, p.Cys158Ter (NM_001354989.2, NM_002020.5); short protein forms C158*.
Identifiers: ClinVar variation 1206941 (VCV001206941.3), dbSNP rs1302178938, ClinGen allele CA362506538.
Genomic context (GRCh38, chr5:180,630,264, plus strand): 5'-GGGGTTGGGGTGGGGCCGTACCGAGCGCAGCGTGACATTGAGGCCGGGGATGGACACCAG[A>T]CAGGGCACCCACATGGCGTCCTTCCTGTTGACCAAGAGCGTGTCAGGCTTGTTGATGAAT-3'

ClinVar aggregate classification (germline): Likely pathogenic (1 of 4 stars; one submission).

Submission:

GeneDx
Classification: Likely pathogenic. Last evaluated: 2019-10-21. Review status: criteria provided, single submitter. Criteria: GeneDx Variant Classification Process June 2021. Collection method: clinical testing. Allele origin: germline. Affected: yes.
Comment: Nonsense variant predicted to result in protein truncation or nonsense mediated decay in a gene for which loss-of-function is a known mechanism of disease; Not observed in large population cohorts (Lek et al., 2016); Has not been previously published as pathogenic or benign to our knowledge